The following is an entry in ClinVar:

NM_003106.4(SOX2):c.76A>G (p.Thr26Ala)

Genes: SOX2 (SRY-box transcription factor 2; plus strand), SOX2-OT (SOX2 overlapping transcript; plus strand), LOC108281177 (SOX2 5' regulatory region; plus strand). Cytogenetic location: 3q26.33.
Variant type: single nucleotide variant.
Coding change: c.76A>G on transcript NM_003106.4 (MANE Select); coding-DNA position 76, A replaced by G.
Protein change: p.Thr26Ala; replaces threonine 26 with alanine.
Molecular consequence: missense variant.
Genome position (GRCh38, 1-based): chr3:181,712,436, A>G. VCF-style: chr3-181712436-A-G. GRCh37 (hg19) VCF-style: chr3-181430224-A-G.
Other names: short protein forms T26A.
Identifiers: ClinVar variation 597989 (VCV000597989.11), dbSNP rs749464287, ClinGen allele CA2717238.

ClinVar aggregate classification (germline): Uncertain significance. Review status: criteria provided, multiple submitters, no conflicts (2 of 4 stars). 3 submissions from 3 submitters: Uncertain significance (3). Last evaluated 2024-09-06.

Conditions:
Anophthalmia/microphthalmia-esophageal atresia syndrome (MCOPS3). Also called: SOX2 Disorder; MICROPHTHALMIA AND ESOPHAGEAL ATRESIA SYNDROME; AEG SYNDROME. Identifiers: Orphanet 77298, MedGen C1859773, MONDO:0008799, OMIM 206900.

Allele frequency attached by ClinVar (database versions not stated): TOPMed below 0.00001; gnomAD exomes 0.00001 and 0.00002; ExAC 0.00002.

Submissions (3):

GeneDx
Classification: Uncertain significance. Last evaluated: 2024-09-06. Review status: criteria provided, single submitter. Criteria: GeneDx Variant Classification Process June 2021. Collection method: clinical testing. Allele origin: germline. Affected: yes.
Comment: In silico analysis indicates that this missense variant does not alter protein structure/function; Has not been previously published as a pathogenic or benign germline variant to our knowledge; This variant is associated with the following publications: (PMID: 28590426)

Labcorp Genetics (formerly Invitae), Labcorp
Classification: Uncertain significance for Anophthalmia/microphthalmia-esophageal atresia syndrome. Last evaluated: 2022-04-08. Review status: criteria provided, single submitter. Criteria: Invitae Variant Classification Sherloc (09022015). Collection method: clinical testing. Allele origin: germline.
Comment: This sequence change replaces threonine, which is neutral and polar, with alanine, which is neutral and non-polar, at codon 26 of the SOX2 protein (p.Thr26Ala). ClinVar contains an entry for this variant (Variation ID: 597989). This variant has not been reported in the literature in individuals affected with SOX2-related conditions. Algorithms developed to predict the effect of missense changes on protein structure and function output the following: SIFT: "Tolerated"; PolyPhen-2: "Benign"; Align-GVGD: "Class C0". The alanine amino acid residue is found in multiple mammalian species, which suggests that this missense change does not adversely affect protein function. This variant is present in population databases (rs749464287, gnomAD 0.005%). In summary, the available evidence is currently insufficient to determine the role of this variant in disease. Therefore, it has been classified as a Variant of Uncertain Significance.

Eurofins Ntd Llc (ga)
Classification: Uncertain significance. Last evaluated: 2018-07-23. Review status: criteria provided, single submitter. Criteria: EGL ClinVar v180209 classification definitions. Collection method: clinical testing. Allele origin: germline. Observed: 1 variant allele, 1 heterozygote.